The following is an entry in ClinVar:

ClinVar aggregate classification (germline): Conflicting classifications of pathogenicity. Review status: criteria provided, conflicting classifications (1 of 4 stars). 2 submissions from 2 submitters: Uncertain significance (1); Benign (1). Last evaluated 2025-04-14.

Conditions:
Hereditary cancer-predisposing syndrome. Also called: Hereditary Cancer Syndrome; Tumor predisposition; Hereditary neoplastic syndrome; Neoplastic Syndromes, Hereditary. Identifiers: Orphanet 140162, MedGen C0027672, MeSH D009386, MONDO:0015356.
BAP1-related tumor predisposition syndrome (TPDS1). Also called: BAP1 tumor predisposition syndrome; COMMON Syndrome; Tumor susceptibility linked to germline BAP1 mutations; TUMOR PREDISPOSITION SYNDROME 1. Identifiers: Orphanet 289539, MedGen C3280492, MONDO:0013692, OMIM 614327.

Submissions (2):

Ambry Genetics
Classification: Benign for Hereditary cancer-predisposing syndrome. Last evaluated: 2025-04-14. Review status: criteria provided, single submitter. Criteria: Ambry Variant Classification Scheme 2023. Collection method: clinical testing. Allele origin: germline.

Labcorp Genetics (formerly Invitae), Labcorp
Classification: Uncertain significance for BAP1-related tumor predisposition syndrome. Last evaluated: 2021-04-23. Review status: criteria provided, single submitter. Criteria: Invitae Variant Classification Sherloc (09022015). Collection method: clinical testing. Allele origin: germline.
Comment: In summary, the available evidence is currently insufficient to determine the role of this variant in disease. Therefore, it has been classified as a Variant of Uncertain Significance. Algorithms developed to predict the effect of missense changes on protein structure and function are either unavailable or do not agree on the potential impact of this missense change (SIFT: "Deleterious"; PolyPhen-2: "Benign"; Align-GVGD: "Class C0"). This variant has not been reported in the literature in individuals with BAP1-related conditions. This variant is not present in population databases (ExAC no frequency). This sequence change replaces aspartic acid with asparagine at codon 403 of the BAP1 protein (p.Asp403Asn). The aspartic acid residue is moderately conserved and there is a small physicochemical difference between aspartic acid and asparagine.

Literature cited by the submitters: PubMed 38969833 (cited by Ambry Genetics).

NM_004656.4(BAP1):c.1207G>A (p.Asp403Asn)

Gene: BAP1 (BRCA1 associated deubiquitinase 1; minus strand). Cytogenetic location: 3p21.1.
Variant type: single nucleotide variant.
Coding change: c.1207G>A on transcript NM_004656.4 (MANE Select); coding-DNA position 1207, G replaced by A.
Protein change: p.Asp403Asn; replaces aspartic acid 403 with asparagine.
Molecular consequence: missense variant.
Genome position (GRCh38, 1-based): chr3:52,404,496, C>T on the plus strand (G>A on the coding strand, the complement: BAP1 is on the minus strand). VCF-style: chr3-52404496-C-T. GRCh37 (hg19) VCF-style: chr3-52438512-C-T.
Other names: c.1207G>A (NM_004656.2); short protein forms D403N.
Identifiers: ClinVar variation 1412457 (VCV001412457.9), dbSNP rs2153226845, ClinGen allele CA353102964.
Genomic context (GRCh38, chr3:52,404,496, plus strand): 5'-TAGAAAGCTGGGCTGACCTAAGGGCAGAGTTGGTGTTCTGCACGTCATCCTCCTCGTCAT[C>T]CTCATAGTCATCCTCATCATCTGAGTACTGCTGGGGTGGGCGGACTGGAACTCGGCTGCG-3'
Protein context (NP_004647.1, residues 393-413): QYSDDEDDYE[Asp403Asn]DEEDDVQNTN